The following is an entry in ClinVar:

NM_001999.4(FBN2):c.3296G>A (p.Arg1099His)

Gene: FBN2 (fibrillin 2; minus strand). Cytogenetic location: 5q23.3.
Variant type: single nucleotide variant.
Coding change: c.3296G>A on transcript NM_001999.4 (MANE Select); coding-DNA position 3296, G replaced by A.
Protein change: p.Arg1099His; replaces arginine 1099 with histidine.
Molecular consequence: missense variant.
Genome position (GRCh38, 1-based): chr5:128,344,432, C>T on the plus strand (G>A on the coding strand, the complement: FBN2 is on the minus strand). VCF-style: chr5-128344432-C-T. GRCh37 (hg19) VCF-style: chr5-127680124-C-T.
Other names: short protein forms R1099H.
Identifiers: ClinVar variation 213305 (VCV000213305.51), dbSNP rs202050092, ClinGen allele CA323174.

ClinVar aggregate classification (germline): Conflicting classifications of pathogenicity. Review status: criteria provided, conflicting classifications (1 of 4 stars). 9 submissions from 9 submitters: Uncertain significance (3); Likely benign (6). Last evaluated 2026-01-25.

Conditions:
Familial thoracic aortic aneurysm and aortic dissection (TAAD). Also called: Thoracic aortic aneurysms and dissections. Identifiers: Orphanet 91387, MedGen C4707243, MONDO:0019625.
Congenital contractural arachnodactyly (CCA). Also called: BEALS SYNDROME; Beals-Hecht syndrome; Arthrogryposis, distal, type 9. Identifiers: Orphanet 115, MedGen C0220668, MONDO:0007363, OMIM 121050.
Ehlers-Danlos syndrome (EDS). Identifiers: Orphanet 98249, MedGen C0013720, MONDO:0020066.

Allele frequency attached by ClinVar (database versions not stated): TOPMed 0.00007; ESP Exome Variant Server 0.00008; ExAC 0.00009; gnomAD 0.00009; gnomAD exomes 0.00010; 1000 Genomes Project 30x 0.00016; 1000 Genomes Project 0.00020.
gnomAD v4.1: 216 of 1,613,656 alleles (0.013%); highest among the groups gnomAD compares: Non-Finnish European, 0.017%; no homozygotes.

Submissions (9):

Labcorp Genetics (formerly Invitae), Labcorp
Classification: Likely benign for Congenital contractural arachnodactyly. Last evaluated: 2026-01-25. Review status: criteria provided, single submitter. Criteria: Invitae Variant Classification Sherloc (09022015). Collection method: clinical testing. Allele origin: germline.

CeGaT Center for Human Genetics Tuebingen
Classification: Likely benign. Last evaluated: 2025-10-01. Review status: criteria provided, single submitter. Criteria: CeGaT Center For Human Genetics Tuebingen Variant Classification Criteria Version 2. Collection method: clinical testing. Allele origin: germline. Affected: yes. Observed: 2 variant alleles.
Comment: FBN2: BS1

GeneDx
Classification: Uncertain significance. Last evaluated: 2025-10-01. Review status: criteria provided, single submitter. Criteria: GeneDx Variant Classification Process June 2021. Collection method: clinical testing. Allele origin: germline. Affected: yes.
Comment: Has not been previously published as pathogenic or benign to our knowledge; Although located in a calcium-binding EGF-like domain of the FBN2 gene, it does not substitute or introduce a cysteine residue (PMID: 19006240, 18767143); In silico analysis supports that this missense variant has a deleterious effect on protein structure/function; This variant is associated with the following publications: (PMID: 19006240, 18767143)

ARUP Laboratories, Molecular Genetics and Genomics, ARUP Laboratories
Classification: Uncertain significance. Last evaluated: 2024-07-26. Review status: criteria provided, single submitter. Criteria: ARUP Molecular Germline Variant Investigation Process 2024. Collection method: clinical testing. Allele origin: germline.
Comment: The FBN2 c.3296G>A; p.Arg1099His variant (rs202050092), to our knowledge, is not reported in the medical literature but is reported in ClinVar (Variation ID: 213305). This variant is found in the non-Finnish European population with an allele frequency of 0.018% (23/129,130 alleles) in the Genome Aggregation Database (v2.1.1). Computational analyses are uncertain whether this variant is neutral or deleterious (REVEL: 0.609). Due to limited information, the clinical significance of this variant is uncertain at this time.

Blueprint Genetics
Classification: Likely benign. Last evaluated: 2024-06-07. Review status: criteria provided, single submitter. Criteria: ACMG Guidelines, 2015. Collection method: clinical testing. Allele origin: germline.

Women's Health and Genetics/Laboratory Corporation of America, LabCorp
Classification: Likely benign. Last evaluated: 2023-08-24. Review status: criteria provided, single submitter. Criteria: LabCorp Variant Classification Summary - May 2015. Collection method: clinical testing. Allele origin: germline.

Ambry Genetics
Classification: Likely benign for Familial thoracic aortic aneurysm and aortic dissection. Last evaluated: 2021-01-25. Review status: criteria provided, single submitter. Criteria: Ambry Variant Classification Scheme 2023. Collection method: clinical testing. Allele origin: germline.

Genome Diagnostics Laboratory, The Hospital for Sick Children
Classification: Uncertain significance for Ehlers-Danlos syndrome. Last evaluated: 2019-11-01. Review status: criteria provided, single submitter. Criteria: ACMG Guidelines, 2015. Collection method: clinical testing. Allele origin: germline.

Illumina Laboratory Services, Illumina
Classification: Likely benign for Congenital contractural arachnodactyly. Last evaluated: 2018-01-13. Review status: criteria provided, single submitter. Criteria: ICSL Variant Classification Criteria 13 December 2019. Collection method: clinical testing. Allele origin: germline.
Comment: This variant was observed in the ICSL laboratory as part of a predisposition screen in an ostensibly healthy population. It had not been previously curated by ICSL or reported in the Human Gene Mutation Database (HGMD: prior to June 1st, 2018), and was therefore a candidate for classification through an automated scoring system. Utilizing variant allele frequency, disease prevalence and penetrance estimates, and inheritance mode, an automated score was calculated to assess if this variant is too frequent to cause the disease. Based on the score and internal cut-off values, a variant classified as likely benign is not then subjected to further curation. The score for this variant resulted in a classification of likely benign for this disease.